The following is an entry in ClinVar:

ClinVar aggregate classification (germline): Likely pathogenic (1 of 4 stars; one submission).

Conditions:
Nemaline myopathy 2 (NEM2). Also called: Nemaline myopathy 2, autosomal recessive. Identifiers: MedGen C1850569, MONDO:0009725, OMIM 256030.

Submission:

Labcorp Genetics (formerly Invitae), Labcorp
Classification: Likely pathogenic for Nemaline myopathy 2. Last evaluated: 2023-06-16. Review status: criteria provided, single submitter. Criteria: Invitae Variant Classification Sherloc (09022015). Collection method: clinical testing. Allele origin: unknown.
Comment: This variant has not been reported in the literature in individuals affected with NEB-related conditions. This variant results in the deletion of exon 64 and part of exon 65 (c.8995-1051_9294del) of the NEB gene. It is expected to disrupt RNA splicing. Variants that disrupt the donor or acceptor splice site typically lead to a loss of protein function (PMID: 16199547), and loss-of-function variants in NEB are known to be pathogenic (PMID: 25205138). In summary, the currently available evidence indicates that the variant is pathogenic, but additional data are needed to prove that conclusively. Therefore, this variant has been classified as Likely Pathogenic.

Literature cited by the submitters: PubMed 16199547; PubMed 25205138.

NC_000002.11:g.(?_152490288)_(152493899_?)del

Gene: NEB (nebulin; minus strand). Cytogenetic location: 2q23.3.
Variant type: Deletion.
Identifiers: ClinVar variation 3247272 (VCV003247272.1).